The following is an entry in ClinVar:

ClinVar aggregate classification (germline): Conflicting classifications of pathogenicity. Review status: criteria provided, conflicting classifications (1 of 4 stars). 2 submissions from 2 submitters: Uncertain significance (1); Likely benign (1). Last evaluated 2023-07-01.

Conditions:
EPILEPSY, CHILDHOOD ABSENCE, SUSCEPTIBILITY TO, 2 (ECA2). Identifiers: Orphanet 64280, MedGen C1843244, OMIM 607681.

Allele frequency attached by ClinVar (database versions not stated): gnomAD exomes 0.00107; TOPMed 0.00055; gnomAD 0.00060 and 0.00066.
gnomAD v4.1: 774 of 790,144 alleles (0.098%); highest among the groups gnomAD compares: Non-Finnish European, 0.13%; 1 homozygote.

Submissions (2):

CeGaT Center for Human Genetics Tuebingen
Classification: Likely benign. Last evaluated: 2023-07-01. Review status: criteria provided, single submitter. Criteria: CeGaT Center For Human Genetics Tuebingen Variant Classification Criteria Version 2. Collection method: clinical testing. Allele origin: germline. Affected: yes. Observed: 6 variant alleles.
Comment: GABRG2: BS1

Illumina Laboratory Services, Illumina
Classification: Uncertain significance for Febrile seizures, familial, 8. Last evaluated: 2018-01-13. Review status: criteria provided, single submitter. Criteria: ICSL Variant Classification Criteria 13 December 2019. Collection method: clinical testing. Allele origin: germline.

NM_198904.4(GABRG2):c.-104T>G

Gene: GABRG2 (gamma-aminobutyric acid type A receptor subunit gamma2; plus strand). Cytogenetic location: 5q34.
Variant type: single nucleotide variant.
Coding change: c.-104T>G on transcript NM_198904.4 (MANE Select); 104 bases upstream of the start codon, T replaced by G.
Molecular consequence: 5 prime UTR variant. On other transcripts: intron variant (3).
Genome position (GRCh38, 1-based): chr5:162,067,896, T>G. VCF-style: chr5-162067896-T-G. GRCh37 (hg19) VCF-style: chr5-161494902-T-G.
Other names: c.-104T>G (NM_000816.3, NM_001375339.1, NM_001375340.1 and 5 more transcripts); c.-462T>G (NM_001375348.1, NM_001375350.1); c.-510T>G (NM_001375349.1); c.-3-167T>G (NM_001375346.1, NM_001375345.1); c.20+255T>G (NM_001375347.1).
Identifiers: ClinVar variation 352635 (VCV000352635.35), dbSNP rs886060380, ClinGen allele CA10624053.